The following is an entry in ClinVar:

ClinVar aggregate classification (germline): Uncertain significance (1 of 4 stars; one submission).

Allele frequency attached by ClinVar (database versions not stated): gnomAD exomes below 0.00001.
gnomAD v4.1: 1 of 1,612,300 alleles (0.000062%); highest among the groups gnomAD compares: African/African-American, 0.0013%; no homozygotes.

Submission:

GeneDx
Classification: Uncertain significance. Last evaluated: 2020-01-10. Review status: criteria provided, single submitter. Criteria: GeneDx Variant Classification Process June 2021. Collection method: clinical testing. Allele origin: germline. Affected: yes.
Comment: Not observed in large population cohorts (Lek et al., 2016); In silico analysis, which includes protein predictors and evolutionary conservation, supports that this variant does not alter protein structure/function; Has not been previously published as pathogenic or benign to our knowledge

NM_006005.3(WFS1):c.463A>G (p.Ile155Val)

Gene: WFS1 (wolframin ER transmembrane glycoprotein; plus strand). Cytogenetic location: 4p16.1.
Variant type: single nucleotide variant.
Coding change: c.463A>G on transcript NM_006005.3 (MANE Select); coding-DNA position 463, A replaced by G.
Protein change: p.Ile155Val; replaces isoleucine 155 with valine.
Molecular consequence: missense variant.
Genome position (GRCh38, 1-based): chr4:6,291,199, A>G. VCF-style: chr4-6291199-A-G. GRCh37 (hg19) VCF-style: chr4-6292926-A-G.
Other names: c.463A>G, p.Ile155Val (NM_001145853.1); short protein forms I155V.
Identifiers: ClinVar variation 1315879 (VCV001315879.2), dbSNP rs2109116520, ClinGen allele CA356171832.